The following is an entry in ClinVar:

NM_001999.4(FBN2):c.830T>C (p.Val277Ala)

Gene: FBN2 (fibrillin 2; minus strand). Cytogenetic location: 5q23.3.
Variant type: single nucleotide variant.
Coding change: c.830T>C on transcript NM_001999.4 (MANE Select); coding-DNA position 830, T replaced by C.
Protein change: p.Val277Ala; replaces valine 277 with alanine.
Molecular consequence: missense variant.
Genome position (GRCh38, 1-based): chr5:128,446,603, A>G on the plus strand (T>C on the coding strand, the complement: FBN2 is on the minus strand). VCF-style: chr5-128446603-A-G. GRCh37 (hg19) VCF-style: chr5-127782296-A-G.
Other names: short protein forms V277A.
Identifiers: ClinVar variation 1315029 (VCV001315029.2), dbSNP rs961188237, ClinGen allele CA127030227.
Genomic context (GRCh38, chr5:128,446,603, plus strand): 5'-CCCACTGTATTGATACAGTTTCCTCCTTGGCATATCCCTGGGATAGCCTGGCATTCATCA[A>G]CATCTGCAAGAAGAAAACATTTTGAACACAGATGACACTGGTTTTCAGAATATCTATACT-3'
Protein context (NP_001990.2, residues 267-287): PNIRTGACQD[Val277Ala]DECQAIPGIC

ClinVar aggregate classification (germline): Uncertain significance (1 of 4 stars; one submission).

Allele frequency attached by ClinVar (database versions not stated): gnomAD exomes below 0.00001; gnomAD 0.00001; TOPMed 0.00001.

Submission:

GeneDx
Classification: Uncertain significance. Last evaluated: 2020-01-16. Review status: criteria provided, single submitter. Criteria: GeneDx Variant Classification Process June 2021. Collection method: clinical testing. Allele origin: germline. Affected: yes.
Comment: Has not been previously published as pathogenic or benign to our knowledge; Not observed in large population cohorts (Lek et al., 2016); In silico analysis, which includes protein predictors and evolutionary conservation, supports a deleterious effect; Although located in a calcium-binding EGF-like domain of the FBN2-gene, it does not affect a cysteine residue within this domain; cysteine substitutions in the calcium-binding EGF-like domains represent the majority of pathogenic missense changes associated with FBN2-related disorders (Frederic et al., 2009)